The following is an entry in ClinVar:

NM_001001344.3(ATP2B3):c.209-10C>T

Gene: ATP2B3 (ATPase plasma membrane Ca2+ transporting 3; plus strand). Cytogenetic location: Xq28.
Variant type: single nucleotide variant.
Coding change: c.209-10C>T on transcript NM_001001344.3 (MANE Select); 10 bases into the intron before coding-DNA position 209, C replaced by T.
Molecular consequence: intron variant.
Genome position (GRCh38, 1-based): chrX:153,541,349, C>T. VCF-style: chrX-153541349-C-T. GRCh37 (hg19) VCF-style: chrX-152806807-C-T.
Other names: c.209-10C>T (NM_021949.4, NM_001388360.1, NM_001388361.1 and 1 more transcripts).
Identifiers: ClinVar variation 512119 (VCV000512119.1), dbSNP rs1557006127, ClinGen allele CA645287366.
Genomic context (GRCh38, chrX:153,541,349, plus strand): 5'-GGCCTGGGACACACAAGGCCGACCCGTCCCATCCCATCCTCCCCTTCTGTGCTTCCGGGG[C>T]ACCATGCAGGCCTGGCGGACAACACCAATGACCTGGAGAAGCGCAGGCAGATCTACGGGC-3'

ClinVar aggregate classification (germline): Likely benign (1 of 4 stars; one submission).

Allele frequency attached by ClinVar (database versions not stated): gnomAD exomes below 0.00001 and 0.00001; TOPMed below 0.00001.
gnomAD v4.1: 1 of 1,211,819 alleles (0.000083%); highest among the groups gnomAD compares: Admixed American, 0.0022%; no homozygotes.

Submission:

GeneDx
Classification: Likely benign. Last evaluated: 2017-09-22. Review status: criteria provided, single submitter. Criteria: GeneDx Variant Classification (06012015). Collection method: clinical testing. Allele origin: germline. Affected: yes.
Comment: This variant is considered likely benign or benign based on one or more of the following criteria: it is a conservative change, it occurs at a poorly conserved position in the protein, it is predicted to be benign by multiple in silico algorithms, and/or has population frequency not consistent with disease.